The following is an entry in ClinVar:

NM_032409.3(PINK1):c.838G>A (p.Ala280Thr)

Genes: PINK1-AS (PINK1 antisense RNA; minus strand), PINK1 (PTEN induced kinase 1; plus strand). Cytogenetic location: 1p36.12.
Variant type: single nucleotide variant.
Coding change: c.838G>A on transcript NM_032409.3 (MANE Select); coding-DNA position 838, G replaced by A.
Protein change: p.Ala280Thr; replaces alanine 280 with threonine.
Molecular consequence: missense variant.
Genome position (GRCh38, 1-based): chr1:20,644,551, G>A. VCF-style: chr1-20644551-G-A. GRCh37 (hg19) VCF-style: chr1-20971044-G-A.
Other names: short protein forms A280T.
Identifiers: ClinVar variation 1017772 (VCV001017772.9), dbSNP rs772510148, ClinGen allele CA660554.
Genomic context (GRCh38, chr1:20,644,551, plus strand): 5'-AAATCCAAGAGAGGTCCCAAGCAACTAGCCCCTCACCCCAACATCATCCGGGTTCTCCGC[G>A]CCTTCACCTCTTCCGTGCCGCTGCTGCCAGGGGCCCTGGTCGACTACCCTGATGTGCTGC-3'
Protein context (NP_115785.1, residues 270-290): PHPNIIRVLR[Ala280Thr]FTSSVPLLPG

ClinVar aggregate classification (germline): Uncertain significance (1 of 4 stars; one submission).

Conditions:
Autosomal recessive early-onset Parkinson disease 6 (PARK6). Also called: PINK1 Type of Young-Onset Parkinson Disease; PARKINSON DISEASE 6, EARLY-ONSET; PINK1-Related Parkinson Disease; PARKINSON DISEASE 6, MODIFIER OF. Identifiers: Orphanet 2828, MedGen C1853833, MONDO:0011613, OMIM 605909.

Allele frequency attached by ClinVar (database versions not stated): gnomAD 0.00002; gnomAD exomes 0.00002 and 0.00004; TOPMed 0.00003; ExAC 0.00004.
gnomAD v4.1: 29 of 1,614,074 alleles (0.0018%); highest among the groups gnomAD compares: East Asian, 0.033%; no homozygotes.

Submission:

Labcorp Genetics (formerly Invitae), Labcorp
Classification: Uncertain significance for Autosomal recessive early-onset Parkinson disease 6. Last evaluated: 2022-04-16. Review status: criteria provided, single submitter. Criteria: Invitae Variant Classification Sherloc (09022015). Collection method: clinical testing. Allele origin: germline.
Comment: In summary, the available evidence is currently insufficient to determine the role of this variant in disease. Therefore, it has been classified as a Variant of Uncertain Significance. Algorithms developed to predict the effect of missense changes on protein structure and function are either unavailable or do not agree on the potential impact of this missense change (SIFT: "Tolerated"; PolyPhen-2: "Possibly Damaging"; Align-GVGD: "Class C0"). ClinVar contains an entry for this variant (Variation ID: 1017772). This missense change has been observed in individual(s) with Parkinson disease (PMID: 16482571, 33845304). This variant is present in population databases (rs772510148, gnomAD 0.07%). This sequence change replaces alanine, which is neutral and non-polar, with threonine, which is neutral and polar, at codon 280 of the PINK1 protein (p.Ala280Thr).

Literature cited by the submitters: PubMed 16482571; PubMed 33845304.